The following is an entry in ClinVar:

ClinVar aggregate classification (germline): Uncertain significance. Review status: criteria provided, multiple submitters, no conflicts (2 of 4 stars). 2 submissions from 2 submitters: Uncertain significance (2). Last evaluated 2024-11-01.

gnomAD v4.1: 1 of 1,613,834 alleles (0.000062%); highest among the groups gnomAD compares: Admixed American, 0.0017%; no homozygotes.

Submissions (2):

Greenwood Genetic Center Diagnostic Laboratories, Greenwood Genetic Center
Classification: Uncertain significance. Last evaluated: 2024-11-01. Review status: criteria provided, single submitter. Criteria: ACMG Guidelines, 2015. Collection method: clinical testing. Allele origin: germline. Affected: yes.
Comment: PM2, BP4, PP2

Labcorp Genetics (formerly Invitae), Labcorp
Classification: Uncertain significance. Last evaluated: 2023-08-02. Review status: criteria provided, single submitter. Criteria: Invitae Variant Classification Sherloc (09022015). Collection method: clinical testing. Allele origin: germline.
Comment: In summary, the available evidence is currently insufficient to determine the role of this variant in disease. Therefore, it has been classified as a Variant of Uncertain Significance. Advanced modeling of protein sequence and biophysical properties (such as structural, functional, and spatial information, amino acid conservation, physicochemical variation, residue mobility, and thermodynamic stability) performed at Invitae indicates that this missense variant is not expected to disrupt CLTC protein function. This variant has not been reported in the literature in individuals affected with CLTC-related conditions. This variant is present in population databases (no rsID available, gnomAD 0.003%). This sequence change replaces aspartic acid, which is acidic and polar, with glutamic acid, which is acidic and polar, at codon 1003 of the CLTC protein (p.Asp1003Glu).

NM_004859.4(CLTC):c.2997C>G (p.Asp999Glu)

Gene: CLTC (clathrin heavy chain; plus strand). Cytogenetic location: 17q23.1.
Variant type: single nucleotide variant.
Coding change: c.2997C>G on transcript NM_004859.4 (MANE Select); coding-DNA position 2997, C replaced by G.
Protein change: p.Asp999Glu; replaces aspartic acid 999 with glutamic acid.
Molecular consequence: missense variant.
Genome position (GRCh38, 1-based): chr17:59,680,989, C>G. VCF-style: chr17-59680989-C-G. GRCh37 (hg19) VCF-style: chr17-57758350-C-G.
Other names: c.3009C>G (NM_001288653.1); c.3009C>G, p.Asp1003Glu (NM_001288653.2); short protein forms D1003E, D999E.
Identifiers: ClinVar variation 2857449 (VCV002857449.4), dbSNP rs1453850832, ClinGen allele CA400416756.